The following is an entry in ClinVar:

ClinVar aggregate classification (germline): Uncertain significance (1 of 4 stars; one submission).

Conditions:
Dihydropyrimidine dehydrogenase deficiency (DPYDD). Also called: DPD DEFICIENCY; DPYD DEFICIENCY; Hereditary Thymine-Uraciluria. Identifiers: Orphanet 1675, MedGen C1959620, MONDO:0010130, OMIM 274270.

gnomAD v4.1: 3 of 1,613,798 alleles (0.00019%); highest among the groups gnomAD compares: Admixed American, 0.005%; no homozygotes.

Submission:

OLLIN Analises Genomicas, OLLIN
Classification: Uncertain significance for Dihydropyrimidine dehydrogenase deficiency. Last evaluated: 2026-08-06. Review status: criteria provided, single submitter. Criteria: ACMG Guidelines 2015 PMID 25741868. Collection method: clinical testing. Allele origin: germline. Inheritance: Autosomal recessive inheritance.
Comment: This missense variant, located in exon 12 (of 23), has been observed in gnomAD with an allele frequency of 0.00019%, but has not been reported in ClinVar or identified in the literature. In silico analysis is inconclusive regarding the impact of this variant. According to the currently available evidence, this variant has been classified as uncertain significance (PM2_P).

NM_000110.4(DPYD):c.1459A>G (p.Asn487Asp)

Gene: DPYD (dihydropyrimidine dehydrogenase; minus strand). Cytogenetic location: 1p21.3.
Variant type: single nucleotide variant.
Coding change: c.1459A>G on transcript NM_000110.4 (MANE Select); coding-DNA position 1459, A replaced by G.
Protein change: p.Asn487Asp; replaces asparagine 487 with aspartic acid.
Molecular consequence: missense variant.
Genome position (GRCh38, 1-based): chr1:97,549,625, T>C on the plus strand (A>G on the coding strand, the complement: DPYD is on the minus strand). VCF-style: chr1-97549625-T-C. GRCh37 (hg19) VCF-style: chr1-98015181-T-C.
Other names: short protein forms N487D.
Identifiers: ClinVar variation 5002790 (VCV005002790.1).
Genomic context (GRCh38, chr1:97,549,625, plus strand): 5'-CGTATTTGTGAATGTACCAAGAAGCTTGCTTTCCATCATTCACCGATTCCACTGTAGTGT[T>C]AGCCAAACCAACGACATCACCACCTGCAAATACCCATGCTTCACTAGTTTGCATAGTTTC-3'
Protein context (NP_000101.2, residues 477-497): FAGGDVVGLA[Asn487Asp]TTVESVNDGK